The following is an entry in ClinVar:

NM_014639.4(SKIC3):c.409C>T (p.Arg137Ter)

Gene: SKIC3 (SKI3 subunit of superkiller complex; minus strand). Cytogenetic location: 5q15.
Variant type: single nucleotide variant.
Coding change: c.409C>T on transcript NM_014639.4 (MANE Select); coding-DNA position 409, C replaced by T.
Protein change: p.Arg137Ter; replaces arginine 137 with a stop codon.
Molecular consequence: nonsense.
Genome position (GRCh38, 1-based): chr5:95,540,824, G>A on the plus strand (C>T on the coding strand, the complement: SKIC3 is on the minus strand). VCF-style: chr5-95540824-G-A. GRCh37 (hg19) VCF-style: chr5-94876528-G-A.
Other names: short protein forms R137*.
Identifiers: ClinVar variation 561159 (VCV000561159.6), dbSNP rs776321294, ClinGen allele CA360443583.

ClinVar aggregate classification (germline): Pathogenic/Likely pathogenic. Review status: criteria provided, multiple submitters, no conflicts (2 of 4 stars). 3 submissions from 3 submitters: Pathogenic (2); Likely pathogenic (1). Last evaluated 2026-01-14.

Conditions:
Trichohepatoenteric syndrome 1 (THES1). Also called: DIARRHEA, FATAL INFANTILE, WITH TRICHORRHEXIS NODOSA. Identifiers: Orphanet 84064, MedGen C4551982, MONDO:0024541, OMIM 222470.
SKIC3-related disorder. Also called: SKIC3-related condition.

gnomAD v4.1: 20 of 1,613,790 alleles (0.0012%); highest among the groups gnomAD compares: Non-Finnish European, 0.0015%; no homozygotes.

Submissions (3):

Labcorp Genetics (formerly Invitae), Labcorp
Classification: Pathogenic. Last evaluated: 2026-01-14. Review status: criteria provided, single submitter. Criteria: Invitae Variant Classification Sherloc (09022015). Collection method: clinical testing. Allele origin: germline.
Comment: This sequence change creates a premature translational stop signal (p.Arg137*) in the TTC37 gene. It is expected to result in an absent or disrupted protein product. Loss-of-function variants in TTC37 are known to be pathogenic (PMID: 20176027, 21120949). This variant is present in population databases (no rsID available, gnomAD 0.002%). This premature translational stop signal has been observed in individual(s) with trichohepatoenteric syndrome (PMID: 29527791, 33864888). ClinVar contains an entry for this variant (Variation ID: 561159). For these reasons, this variant has been classified as Pathogenic.

PreventionGenetics, part of Exact Sciences
Classification: Likely pathogenic for SKIC3-related condition. Last evaluated: 2023-05-16. Review status: criteria provided, single submitter. Criteria: ACMG Guidelines, 2015. Collection method: clinical testing. Allele origin: germline.
Comment: The SKIC3 c.409C>T variant is predicted to result in premature protein termination (p.Arg137*). To our knowledge, this variant has not been reported in literature. This variant is reported in 0.0018% of alleles in individuals of European (Non-Finnish) descent in gnomAD. Nonsense variants in SKIC3 are expected to be pathogenic. This variant is interpreted as likely pathogenic.

Baylor Genetics
Classification: Pathogenic for Trichohepatoenteric syndrome 1. Last evaluated: 2017-09-01. Review status: criteria provided, single submitter. Criteria: ACMG Guidelines, 2015. Collection method: clinical testing. Allele origin: germline. Inheritance: Autosomal recessive inheritance. Affected: yes.
Comment: Heterozygotes are expected to be asymptomatic carriers.

Literature cited by the submitters: PubMed 20176027 (cited by Labcorp Genetics (formerly Invitae), Labcorp); PubMed 21120949 (cited by Labcorp Genetics (formerly Invitae), Labcorp); PubMed 29527791 (cited by Labcorp Genetics (formerly Invitae), Labcorp); PubMed 33864888 (cited by Labcorp Genetics (formerly Invitae), Labcorp); PubMed 25326635 (cited by Baylor Genetics).